The following is an entry in ClinVar:

NM_001458.5(FLNC):c.847C>T (p.Pro283Ser)

Gene: FLNC (filamin C; plus strand). Cytogenetic location: 7q32.1.
Variant type: single nucleotide variant.
Coding change: c.847C>T on transcript NM_001458.5 (MANE Select); coding-DNA position 847, C replaced by T.
Protein change: p.Pro283Ser; replaces proline 283 with serine.
Molecular consequence: missense variant.
Genome position (GRCh38, 1-based): chr7:128,837,545, C>T. VCF-style: chr7-128837545-C-T. GRCh37 (hg19) VCF-style: chr7-128477599-C-T.
Other names: c.847C>T, p.Pro283Ser (NM_001127487.2); short protein forms P283S.
Identifiers: ClinVar variation 3749543 (VCV003749543.3).

ClinVar aggregate classification (germline): Uncertain significance. Review status: criteria provided, multiple submitters, no conflicts (2 of 4 stars). 2 submissions from 2 submitters: Uncertain significance (2). Last evaluated 2025-06-03.

Conditions:
Hypertrophic cardiomyopathy 26. Also called: Cardiomyopathy, familial hypertrophic, 26. Identifiers: Orphanet 75249, MedGen C4310749, MONDO:0014883, OMIM 617047.
Myofibrillar myopathy 5. Also called: Filaminopathy (type); FILAMINOPATHY, AUTOSOMAL DOMINANT. Identifiers: Orphanet 171445, MedGen C1836050, MONDO:0012289, OMIM 609524.
Distal myopathy with posterior leg and anterior hand involvement. Also called: WILLIAMS DISTAL MYOPATHY. Identifiers: Orphanet 63273, MedGen C3279722, MONDO:0013550, OMIM 614065.

gnomAD v4.1: 2 of 1,614,138 alleles (0.00012%); highest among the groups gnomAD compares: South Asian, 0.0022%; no homozygotes.

Submissions (2):

GeneDx
Classification: Uncertain significance. Last evaluated: 2025-06-03. Review status: criteria provided, single submitter. Criteria: GeneDx Variant Classification Process June 2021. Collection method: clinical testing. Allele origin: germline. Affected: yes.
Comment: Not observed at significant frequency in large population cohorts (gnomAD); In silico analysis supports that this missense variant has a deleterious effect on protein structure/function; Has not been previously published as pathogenic or benign to our knowledge

Labcorp Genetics (formerly Invitae), Labcorp
Classification: Uncertain significance for Distal myopathy with posterior leg and anterior hand involvement; Myofibrillar myopathy 5; Hypertrophic cardiomyopathy 26. Last evaluated: 2024-06-18. Review status: criteria provided, single submitter. Criteria: Invitae Variant Classification Sherloc (09022015). Collection method: clinical testing. Allele origin: germline.
Comment: This sequence change replaces proline, which is neutral and non-polar, with serine, which is neutral and polar, at codon 283 of the FLNC protein (p.Pro283Ser). This variant is present in population databases (rs747837157, gnomAD 0.006%). This variant has not been reported in the literature in individuals affected with FLNC-related conditions. Advanced modeling of protein sequence and biophysical properties (such as structural, functional, and spatial information, amino acid conservation, physicochemical variation, residue mobility, and thermodynamic stability) has been performed at Invitae for this missense variant, however the output from this modeling did not meet the statistical confidence thresholds required to predict the impact of this variant on FLNC protein function. In summary, the available evidence is currently insufficient to determine the role of this variant in disease. Therefore, it has been classified as a Variant of Uncertain Significance.